The following is an entry in ClinVar:

NM_176787.5(PIGN):c.130AGA[1] (p.Arg45del)

Gene: PIGN (phosphatidylinositol glycan anchor biosynthesis class N; minus strand). Cytogenetic location: 18q21.33.
Variant type: Microsatellite.
Coding change: c.130AGA[1] on transcript NM_176787.5 (MANE Select); one copy of the 3-base unit AGA starting at c.130; the reference has two copies in a row; one copy, 3 bases deleted.
Protein change: p.Arg45del; deletes arginine 45.
Molecular consequence: inframe deletion.
Genome position (GRCh38, 1-based): chr18:62,161,219-62,161,221, TCT deleted on the plus strand (AGA on the coding strand, the reverse complement: PIGN is on the minus strand); deleting any 3 consecutive bases within chr18:62,161,219-62,161,224 gives the same sequence; the position shown is the placement nearest the transcript's 3' end. VCF-style (leftmost placement, unchanged base first): chr18-62161218-ATCT-A. GRCh37 (hg19) VCF-style: chr18-59828451-ATCT-A.
Other names: c.130AGA[1], p.Arg45del (NM_012327.6); short protein forms R45del.
Identifiers: ClinVar variation 591711 (VCV000591711.9), dbSNP rs1568244811, ClinGen allele CA891863047.

ClinVar aggregate classification (germline): Conflicting classifications of pathogenicity. Review status: criteria provided, conflicting classifications (1 of 4 stars). 3 submissions from 3 submitters: Likely pathogenic (1); Uncertain significance (1). 1 of the submissions does not count toward it. Last evaluated 2024-10-11.

Conditions:
Multiple congenital anomalies-hypotonia-seizures syndrome 1 (MCAHS1). Also called: GLYCOSYLPHOSPHATIDYLINOSITOL BIOSYNTHESIS DEFECT 3; PIGN-CDG; Congenital disorder of glycosylation due to PIGN deficiency. Identifiers: Orphanet 280633, MedGen C3279775, MONDO:0013563, OMIM 614080.

Submissions (3):

Victorian Clinical Genetics Services, Murdoch Childrens Research Institute
Classification: Likely pathogenic for Multiple congenital anomalies-hypotonia-seizures syndrome 1. Last evaluated: 2024-10-11. Review status: criteria provided, single submitter. Criteria: ACMG Guidelines, 2015. Collection method: clinical testing. Allele origin: germline. Inheritance: Autosomal recessive inheritance. Affected: yes.
Comment: Based on the classification scheme VCGS_Germline_v1.3.5, this variant is classified as Likely pathogenic. Following criteria are met: 0102 - Loss of function is a known mechanism of disease in this gene and is associated with multiple congenital anomalies-hypotonia-seizures syndrome 1 (MIM#614080). (I) 0106 - This gene is associated with autosomal recessive disease. (I) 0115 - Variants in this gene are known to have variable expressivity (OMIM). (I) 0216 - In-frame deletion of one amino acid in a non-repetitive region that has moderate conservation. (SP) 0251 - This variant is heterozygous. (I) 0304 - Variant is present in gnomAD <0.01 for a recessive condition (v4: 5 heterozygotes, 0 homozygotes). (SP) 0309 - An alternative amino acid change at the same position has been observed in gnomAD (v3) (p.(Arg45Gly): 1 heterozygote, 0 homozygotes). (I) 0604 - Variant is not located in an established domain, motif, hotspot or informative constraint region. (DECIPHER). (I) 0705 - No comparable missense variants affecting the same residue have previous evidence for pathogenicity. (I) 0803 - This variant has limited previous evidence of pathogenicity in unrelated individuals. This variant has been reported as likely pathogenic in a compound heterozygous individual from a cohort with inherited glycosylphosphatidylinositol deficiency disorders (PMID: 38456468). It has also been classified as a VUS by Invitae and has been identified in a child with focal epilepsy and an unrelated infant with seizures (personal communication). (SP) 0905 - No published segregation evidence has been identified for this variant. (I) 1007 - No published functional evidence has been identified for this variant. (I) 1102 - Strong phenotype match for this individual. (I) Legend: (SP) - Supporting pathogenic, (I) - Information, (SB) - Supporting benign

Labcorp Genetics (formerly Invitae), Labcorp
Classification: Uncertain significance for Multiple congenital anomalies-hypotonia-seizures syndrome 1. Last evaluated: 2021-08-27. Review status: criteria provided, single submitter. Criteria: Invitae Variant Classification Sherloc (09022015). Collection method: clinical testing. Allele origin: germline.
Comment: This variant, c.133_135del, results in the deletion of 1 amino acid(s) of the PIGN protein (p.Arg45del), but otherwise preserves the integrity of the reading frame. This variant is not present in population databases (ExAC no frequency). This variant has not been reported in the literature in individuals affected with PIGN-related conditions. Experimental studies and prediction algorithms are not available or were not evaluated, and the functional significance of this variant is currently unknown. In summary, the available evidence is currently insufficient to determine the role of this variant in disease. Therefore, it has been classified as a Variant of Uncertain Significance.

Gharavi Laboratory, Columbia University
Classification: Uncertain significance. Last evaluated: 2018-09-16. Review status: no assertion criteria provided. Criteria: ACMG Guidelines, 2015. Collection method: research. Allele origin: germline. Affected: yes. Not counted in ClinVar's aggregate classification.

Literature cited by the submitters: PubMed 38456468 (cited by Victorian Clinical Genetics Services, Murdoch Childrens Research Institute).